The following is an entry in ClinVar:

ClinVar aggregate classification (germline): Uncertain significance (1 of 4 stars; one submission).

Submission:

GeneDx
Classification: Uncertain significance. Last evaluated: 2025-04-25. Review status: criteria provided, single submitter. Criteria: GeneDx Variant Classification Process June 2021. Collection method: clinical testing. Allele origin: germline. Affected: yes.
Comment: Not observed at significant frequency in large population cohorts (gnomAD); In silico analysis supports that this missense variant has a deleterious effect on protein structure/function; Has not been previously published as pathogenic or benign to our knowledge; In silico analysis suggests this variant may impact gene splicing. In the absence of RNA/functional studies, the actual effect of this sequence change is unknown.

NM_182641.4(BPTF):c.2213A>G (p.Lys738Arg)

Gene: BPTF (bromodomain PHD finger transcription factor; plus strand). Cytogenetic location: 17q24.2.
Variant type: single nucleotide variant.
Coding change: c.2213A>G on transcript NM_182641.4 (MANE Select); coding-DNA position 2213, A replaced by G.
Protein change: p.Lys738Arg; replaces lysine 738 with arginine.
Molecular consequence: missense variant.
Genome position (GRCh38, 1-based): chr17:67,893,527, A>G. VCF-style: chr17-67893527-A-G. GRCh37 (hg19) VCF-style: chr17-65889643-A-G.
Other names: c.2402A>G, p.Lys801Arg (NM_001439139.1, NM_001439141.1, NM_001439143.1 and 1 more transcripts); c.2591A>G, p.Lys864Arg (NM_001439140.1, NM_001439142.1, NM_004459.7); short protein forms K738R, K801R, K864R.
Identifiers: ClinVar variation 4527744 (VCV004527744.1).